The following is an entry in ClinVar:

NM_001376571.1(MADD):c.2202C>T (p.Gly734=)

Gene: MADD (MAP kinase activating death domain; plus strand). Cytogenetic location: 11p11.2.
Variant type: single nucleotide variant.
Coding change: c.2202C>T on transcript NM_001376571.1 (MANE Select); coding-DNA position 2202, C replaced by T.
Protein change: p.Gly734=; no amino-acid change (glycine 734 retained).
Molecular consequence: synonymous variant. On other transcripts: non-coding transcript variant (8).
Genome position (GRCh38, 1-based): chr11:47,284,985, C>T. VCF-style: chr11-47284985-C-T. GRCh37 (hg19) VCF-style: chr11-47306536-C-T.
Other names: c.2202C>T, p.Gly734= (NM_001135943.2, NM_001135944.2, NM_001376572.1 and 79 more transcripts); c.2178C>T, p.Gly726= (NM_001376602.1); c.1998C>T, p.Gly666= (NM_001376620.1, NM_001376626.1, NM_001376627.1 and 9 more transcripts); c.1536C>T, p.Gly512= (NM_001376663.1).
Identifiers: ClinVar variation 4821526 (VCV004821526.4).

ClinVar aggregate classification (germline): Likely benign (1 of 4 stars; one submission).

gnomAD v4.1: 30 of 1,613,836 alleles (0.0019%); highest among the groups gnomAD compares: African/African-American, 0.004%; no homozygotes.

Submission:

CeGaT Center for Human Genetics Tuebingen
Classification: Likely benign. Last evaluated: 2026-02-01. Review status: criteria provided, single submitter. Criteria: CeGaT Center For Human Genetics Tuebingen Variant Classification Criteria Version 2. Collection method: clinical testing. Allele origin: germline. Affected: yes. Observed: 1 variant allele.
Comment: MADD: BP4, BP7